The following is an entry in ClinVar:

ClinVar aggregate classification (germline): Benign/Likely benign. Review status: criteria provided, multiple submitters, no conflicts (2 of 4 stars). 3 submissions from 3 submitters: Benign (1); Likely benign (2). Last evaluated 2025-12-12.

Allele frequency attached by ClinVar (database versions not stated): TOPMed 0.00764; 1000 Genomes Project 30x 0.00344; gnomAD 0.00708 and 0.00691; 1000 Genomes Project 0.00359.
gnomAD v4.1: 6,543 of 796,836 alleles (0.82%); highest among the groups gnomAD compares: Non-Finnish European, 1.1%; 33 homozygotes.

Submissions (3):

Dasa
Classification: Benign. Last evaluated: 2025-12-12. Review status: criteria provided, single submitter. Criteria: DASA Assertion Criteria. Collection method: clinical testing. Allele origin: germline.
Comment: NM_002890.3(RASA1):c.-198G>T is interpreted as benign based on a combination of available evidence, which may include population frequency, observations in unaffected individuals, intact protein function, lack of segregation with disease, in silico models, amino acid conservation, lack of disease association in case-control studies, and/or inconsistency with the known disease mechanism or impacted region. Based on the available data, this variant is classified as benign.

GeneDx
Classification: Likely benign. Last evaluated: 2019-04-10. Review status: criteria provided, single submitter. Criteria: GeneDx Variant Classification Process June 2021. Collection method: clinical testing. Allele origin: germline. Affected: yes.

Breakthrough Genomics
Classification: Likely benign. Review status: criteria provided, single submitter. Criteria: ACMG Guidelines, 2015. Collection method: not provided. Allele origin: germline. Inheritance: Autosomal dominant inheritance. Affected: yes.

NM_002890.3(RASA1):c.-198G>T

Gene: RASA1 (RAS p21 protein activator 1; plus strand). Cytogenetic location: 5q14.3.
Variant type: single nucleotide variant.
Coding change: c.-198G>T on transcript NM_002890.3 (MANE Select); 198 bases upstream of the start codon, G replaced by T.
Molecular consequence: 5 prime UTR variant.
Genome position (GRCh38, 1-based): chr5:87,268,254, G>T. VCF-style: chr5-87268254-G-T. GRCh37 (hg19) VCF-style: chr5-86564071-G-T.
Identifiers: ClinVar variation 354501 (VCV000354501.9), dbSNP rs149279711, ClinGen allele CA10622405.